The following is an entry in ClinVar:

ClinVar aggregate classification (germline): Uncertain significance (1 of 4 stars; one submission).

Conditions:
Hereditary nonpolyposis colorectal neoplasms. Identifiers: MedGen C0009405, MeSH D003123.

Submission:

Labcorp Genetics (formerly Invitae), Labcorp
Classification: Uncertain significance for Hereditary nonpolyposis colorectal neoplasms. Last evaluated: 2023-02-18. Review status: criteria provided, single submitter. Criteria: Invitae Variant Classification Sherloc (09022015). Collection method: clinical testing. Allele origin: germline.
Comment: In summary, the available evidence is currently insufficient to determine the role of this variant in disease. Therefore, it has been classified as a Variant of Uncertain Significance. Advanced modeling of protein sequence and biophysical properties (such as structural, functional, and spatial information, amino acid conservation, physicochemical variation, residue mobility, and thermodynamic stability) has been performed at Invitae for this missense variant, however the output from this modeling did not meet the statistical confidence thresholds required to predict the impact of this variant on PMS2 protein function. This variant has not been reported in the literature in individuals affected with PMS2-related conditions. This variant is not present in population databases (gnomAD no frequency). This sequence change replaces lysine, which is basic and polar, with threonine, which is neutral and polar, at codon 16 of the PMS2 protein (p.Lys16Thr).

NM_000535.7(PMS2):c.47A>C (p.Lys16Thr)

Gene: PMS2 (PMS1 homolog 2, mismatch repair system component; minus strand). Cytogenetic location: 7p22.1.
Variant type: single nucleotide variant.
Coding change: c.47A>C on transcript NM_000535.7 (MANE Select); coding-DNA position 47, A replaced by C.
Protein change: p.Lys16Thr; replaces lysine 16 with threonine.
Molecular consequence: missense variant. On other transcripts: 5 prime UTR variant (38), non-coding transcript variant (1), intron variant (7).
Genome position (GRCh38, 1-based): chr7:6,006,008, T>G on the plus strand (A>C on the coding strand, the complement: PMS2 is on the minus strand). VCF-style: chr7-6006008-T-G. GRCh37 (hg19) VCF-style: chr7-6045639-T-G.
Other names: c.-438A>C (NM_001322015.2, NM_001406875.1, NM_001406877.1 and 2 more transcripts); c.233A>C, p.Lys78Thr (NM_001406866.1); c.47A>C, p.Lys16Thr (NM_001406868.1, NM_001406869.1, NM_001406870.1 and 10 more transcripts); c.-169A>C (NM_001406876.1, NM_001406883.1, NM_001406896.1 and 4 more transcripts); c.-385A>C (NM_001406880.1); c.-359A>C (NM_001406887.1, NM_001406891.1, NM_001406893.1 and 11 more transcripts); c.-306A>C (NM_001406888.1, NM_001406889.1, NM_001406892.1 and 5 more transcripts); c.-349A>C (NM_001406890.1); and 7 more; short protein forms K78T, K16T.
Identifiers: ClinVar variation 2838905 (VCV002838905.3), dbSNP rs1554306581, ClinGen allele CA366745161.